The following is an entry in ClinVar:

NM_025114.4(CEP290):c.216A>T (p.Glu72Asp)

Gene: CEP290 (centrosomal protein 290; minus strand). Cytogenetic location: 12q21.32.
Variant type: single nucleotide variant.
Coding change: c.216A>T on transcript NM_025114.4 (MANE Select); coding-DNA position 216, A replaced by T.
Protein change: p.Glu72Asp; replaces glutamic acid 72 with aspartic acid.
Molecular consequence: missense variant.
Genome position (GRCh38, 1-based): chr12:88,139,529, T>A on the plus strand (A>T on the coding strand, the complement: CEP290 is on the minus strand). VCF-style: chr12-88139529-T-A. GRCh37 (hg19) VCF-style: chr12-88533306-T-A.
Other names: c.216A>T (NM_025114.3); short protein forms E72D.
Identifiers: ClinVar variation 2168279 (VCV002168279.4), dbSNP rs750607382, ClinGen allele CA6712877.

ClinVar aggregate classification (germline): Uncertain significance. Review status: criteria provided, multiple submitters, no conflicts (2 of 4 stars). 2 submissions from 2 submitters: Uncertain significance (2). Last evaluated 2025-11-03.

Conditions:
Inborn genetic diseases. Identifiers: MedGen C0950123, MeSH D030342.
Joubert syndrome. Also called: CEREBELLOPARENCHYMAL DISORDER IV; JOUBERT-BOLTSHAUSER SYNDROME; Familial aplasia of the vermis. Identifiers: Orphanet 475, MedGen C5979921, MONDO:0018772.
Nephronophthisis. Also called: Juvenile Nephronophthisis. Identifiers: Orphanet 655, MedGen C0687120, MONDO:0019005, HP:0000090.
Meckel-Gruber syndrome. Also called: DYSENCEPHALIA SPLANCHNOCYSTICA; GRUBER SYNDROME; Dysencephalia splachnocystica. Identifiers: Orphanet 564, MedGen C0265215, MONDO:0018921.

Allele frequency attached by ClinVar (database versions not stated): ExAC 0.00001.
gnomAD v4.1: 4 of 1,598,418 alleles (0.00025%); highest among the groups gnomAD compares: Non-Finnish European, 0.00026%; no homozygotes.

Submissions (2):

Ambry Genetics
Classification: Uncertain significance for Inborn genetic diseases. Last evaluated: 2025-11-03. Review status: criteria provided, single submitter. Criteria: Ambry Variant Classification Scheme 2023. Collection method: clinical testing. Allele origin: germline.

Labcorp Genetics (formerly Invitae), Labcorp
Classification: Uncertain significance for Joubert syndrome; Meckel-Gruber syndrome; Nephronophthisis. Last evaluated: 2022-03-13. Review status: criteria provided, single submitter. Criteria: Invitae Variant Classification Sherloc (09022015). Collection method: clinical testing. Allele origin: germline.
Comment: This sequence change replaces glutamic acid, which is acidic and polar, with aspartic acid, which is acidic and polar, at codon 72 of the CEP290 protein (p.Glu72Asp). This variant is present in population databases (rs750607382, gnomAD 0.002%). This variant has not been reported in the literature in individuals affected with CEP290-related conditions. Algorithms developed to predict the effect of missense changes on protein structure and function are either unavailable or do not agree on the potential impact of this missense change (SIFT: "Deleterious"; PolyPhen-2: "Probably Damaging"; Align-GVGD: "Class C0"). In summary, the available evidence is currently insufficient to determine the role of this variant in disease. Therefore, it has been classified as a Variant of Uncertain Significance.